The following is an entry in ClinVar:

NM_001845.6(COL4A1):c.136G>A (p.Gly46Arg)

Gene: COL4A1 (collagen type IV alpha 1 chain; minus strand). Cytogenetic location: 13q34.
Variant type: single nucleotide variant.
Coding change: c.136G>A on transcript NM_001845.6 (MANE Select); coding-DNA position 136, G replaced by A.
Protein change: p.Gly46Arg; replaces glycine 46 with arginine.
Molecular consequence: missense variant.
Genome position (GRCh38, 1-based): chr13:110,242,683, C>T on the plus strand (G>A on the coding strand, the complement: COL4A1 is on the minus strand). VCF-style: chr13-110242683-C-T. GRCh37 (hg19) VCF-style: chr13-110895030-C-T.
Other names: c.136G>A (NM_001845.5); c.136G>A, p.Gly46Arg (NM_001303110.2); short protein forms G46R.
Identifiers: ClinVar variation 2900713 (VCV002900713.5), dbSNP rs753818473, ClinGen allele CA7048665.

ClinVar aggregate classification (germline): Conflicting classifications of pathogenicity. Review status: criteria provided, conflicting classifications (1 of 4 stars). 3 submissions from 3 submitters: Likely pathogenic (1); Uncertain significance (2). Last evaluated 2025-11-15.

Conditions:
COL4A1-related disorder. Also called: COL4A1-related condition; COL4A1-related disorders. Identifiers: MedGen CN376119, MONDO:0800461.
Autosomal dominant familial hematuria-retinal arteriolar tortuosity-contractures syndrome. Also called: Angiopathy, hereditary, with nephropathy, aneurysms, and muscle cramps; Hereditary Angiopathy with Nephropathy, Aneurysms, and Muscle Cramps (HANAC) Syndrome. Identifiers: Orphanet 73229, MedGen C2673195, MONDO:0012726, OMIM 611773.
Microangiopathy and leukoencephalopathy, pontine, autosomal dominant. Also called: Pontine autosomal dominant microangiopathy with leukoencephalopathy; DEMENTIA, HEREDITARY MULTI-INFARCT, SWEDISH TYPE. Identifiers: Orphanet 477749, MedGen C5231411, MONDO:0032814, OMIM 618564.
Brain small vessel disease 1 with or without ocular anomalies (BSVD1). Also called: BRAIN SMALL VESSEL DISEASE WITH HEMORRHAGE; Brain small vessel disease with or without ocular anomalies; PORENCEPHALY, TYPE 1, AUTOSOMAL DOMINANT; GOULD SYNDROME 1. Identifiers: Orphanet 2940, Orphanet 36383, Orphanet 99810, MedGen C4755307, MONDO:0008289, OMIM 175780.
Hemorrhage, intracerebral, susceptibility to (ICH). Also called: Stroke, hemorrhagic, susceptibility to. Identifiers: MedGen C3281105, MONDO:0100533, OMIM 614519.
Retinal arterial tortuosity. Also called: Retinal arteries, tortuosity of; RETINAL HEMORRHAGE WITH VASCULAR TORTUOSITY. Identifiers: Orphanet 75326, MedGen C0423401, MONDO:0008373, OMIM 180000, HP:0000631.

Allele frequency attached by ClinVar (database versions not stated): ExAC 0.00001; gnomAD exomes 0.00001; gnomAD 0.00002; TOPMed 0.00003.
gnomAD v4.1: 21 of 1,614,076 alleles (0.0013%); highest among the groups gnomAD compares: African/African-American, 0.0027%; no homozygotes.

Submissions (3):

Labcorp Genetics (formerly Invitae), Labcorp
Classification: Likely pathogenic. Last evaluated: 2025-11-15. Review status: criteria provided, single submitter. Criteria: Invitae Variant Classification Sherloc (09022015). Collection method: clinical testing. Allele origin: germline.
Comment: This sequence change replaces glycine, which is neutral and non-polar, with arginine, which is basic and polar, at codon 46 of the COL4A1 protein (p.Gly46Arg). This variant is present in population databases (rs753818473, gnomAD 0.007%). This variant has not been reported in the literature in individuals affected with COL4A1-related conditions. ClinVar contains an entry for this variant (Variation ID: 2900713). Invitae Evidence Modeling of protein sequence and biophysical properties (such as structural, functional, and spatial information, amino acid conservation, physicochemical variation, residue mobility, and thermodynamic stability) indicates that this missense variant is expected to disrupt COL4A1 protein function with a positive predictive value of 95%. This variant disrupts the triple helix domain of COL4A1. Glycine residues within the Gly-Xaa-Yaa repeats of the triple helix domain are required for the structure and stability of fibrillar collagens (PMID: 7695699, 8218237, 19344236). In COL4A1 variants affecting these glycine residues are significantly enriched in individuals with disease (PMID: 9016532, 17078022) compared to the general population (ExAC). In summary, the currently available evidence indicates that the variant is pathogenic, but additional data are needed to prove that conclusively. Therefore, this variant has been classified as Likely Pathogenic.

PreventionGenetics, part of Exact Sciences
Classification: Uncertain significance for COL4A1-related condition. Last evaluated: 2025-08-19. Review status: criteria provided, single submitter. Criteria: ACMG Guidelines, 2015. Collection method: clinical testing. Allele origin: germline.
Comment: The COL4A1 c.136G>A variant is predicted to result in the amino acid substitution p.Gly46Arg. To our knowledge, this variant has not been reported in the literature. This variant is reported in 0.0062% of alleles in individuals of African descent in gnomAD. Although we suspect that this variant may be pathogenic, at this time, the clinical significance of this variant is uncertain due to the absence of conclusive functional and genetic evidence.

Fulgent Genetics
Classification: Uncertain significance for Brain small vessel disease 1 with or without ocular anomalies; Retinal arterial tortuosity; Autosomal dominant familial hematuria-retinal arteriolar tortuosity-contractures syndrome; Hemorrhage, intracerebral, susceptibility to; Microangiopathy and leukoencephalopathy, pontine, autosomal dominant. Last evaluated: 2024-02-09. Review status: criteria provided, single submitter. Criteria: ACMG Guidelines, 2015. Collection method: clinical testing. Allele origin: germline.

Literature cited by the submitters: PubMed 7695699 (cited by Labcorp Genetics (formerly Invitae), Labcorp); PubMed 8218237 (cited by Labcorp Genetics (formerly Invitae), Labcorp); PubMed 19344236 (cited by Labcorp Genetics (formerly Invitae), Labcorp); PubMed 9016532 (cited by Labcorp Genetics (formerly Invitae), Labcorp); PubMed 17078022 (cited by Labcorp Genetics (formerly Invitae), Labcorp).